The following is an entry in ClinVar:

ClinVar aggregate classification (germline): Uncertain significance. Review status: criteria provided, multiple submitters, no conflicts (2 of 4 stars). 4 submissions from 4 submitters: Uncertain significance (3). 1 of the submissions does not count toward it. Last evaluated 2023-04-11.

Conditions:
Long chain 3-hydroxyacyl-CoA dehydrogenase deficiency. Also called: LCHAD Deficiency; Deficiency of long-chain 3-hydroxyacyl-coenzyme A dehydrogenase. Identifiers: Orphanet 5, MedGen C3711645, MONDO:0012173, OMIM 609016.
Deficiency of hydroxymethylglutaryl-CoA lyase (HMGCLD). Also called: HMGCL DEFICIENCY; HYDROXYMETHYLGLUTARIC ACIDURIA; Defect in leucine metabolism; 3-hydroxy-3-methylglutaric aciduria; HMG-CoA LYASE DEFICIENCY. Identifiers: Orphanet 20, MedGen C1533587, MONDO:0009520, OMIM 246450.

Allele frequency attached by ClinVar (database versions not stated): ExAC 0.00002; gnomAD exomes 0.00003 and 0.00004; TOPMed 0.00009; gnomAD 0.00010 and 0.00011; ESP Exome Variant Server 0.00023.

Submissions (4):

Genome-Nilou Lab
Classification: Uncertain significance for Deficiency of hydroxymethylglutaryl-CoA lyase. Last evaluated: 2023-04-11. Review status: criteria provided, single submitter. Criteria: ACMG Guidelines, 2015. Collection method: clinical testing. Allele origin: germline. Affected: no.

Labcorp Genetics (formerly Invitae), Labcorp
Classification: Uncertain significance for Deficiency of hydroxymethylglutaryl-CoA lyase. Last evaluated: 2022-07-29. Review status: criteria provided, single submitter. Criteria: Invitae Variant Classification Sherloc (09022015). Collection method: clinical testing. Allele origin: germline.
Comment: This sequence change replaces glutamic acid, which is acidic and polar, with lysine, which is basic and polar, at codon 114 of the HMGCL protein (p.Glu114Lys). This variant is present in population databases (rs200955062, gnomAD 0.04%). This variant has not been reported in the literature in individuals affected with HMGCL-related conditions. ClinVar contains an entry for this variant (Variation ID: 876113). Algorithms developed to predict the effect of missense changes on protein structure and function (SIFT, PolyPhen-2, Align-GVGD) all suggest that this variant is likely to be tolerated. In summary, the available evidence is currently insufficient to determine the role of this variant in disease. Therefore, it has been classified as a Variant of Uncertain Significance.

Illumina Laboratory Services, Illumina
Classification: Uncertain significance for Deficiency of hydroxymethylglutaryl-CoA lyase. Last evaluated: 2018-01-13. Review status: criteria provided, single submitter. Criteria: ICSL Variant Classification Criteria 13 December 2019. Collection method: clinical testing. Allele origin: germline.

Natera, Inc.
Classification: Uncertain significance for Deficiency of long-chain 3-hydroxyacyl-coenzyme A dehydrogenase. Last evaluated: 2020-05-01. Review status: no assertion criteria provided. Collection method: clinical testing. Allele origin: germline. Not counted in ClinVar's aggregate classification.

NM_000191.3(HMGCL):c.340G>A (p.Glu114Lys)

Gene: HMGCL (3-hydroxy-3-methylglutaryl-CoA lyase; minus strand). Cytogenetic location: 1p36.11.
Variant type: single nucleotide variant.
Coding change: c.340G>A on transcript NM_000191.3 (MANE Select); coding-DNA position 340, G replaced by A.
Protein change: p.Glu114Lys; replaces glutamic acid 114 with lysine.
Molecular consequence: missense variant.
Genome position (GRCh38, 1-based): chr1:23,816,683, C>T on the plus strand (G>A on the coding strand, the complement: HMGCL is on the minus strand). VCF-style: chr1-23816683-C-T. GRCh37 (hg19) VCF-style: chr1-24143173-C-T.
Other names: c.340G>A, p.Glu114Lys (NM_001166059.2); short protein forms E114K.
Identifiers: ClinVar variation 876113 (VCV000876113.8), dbSNP rs200955062, ClinGen allele CA686131.
Genomic context (GRCh38, chr1:23,816,683, plus strand): 5'-CAATGCCATCAATCTCATTTCAGGAGCCCCCACCAACAAGCTATCCTCTTACCGCTGCCT[C>T]GAAGCCTTTCAAATTTGGGGTCAGGACTGGGTAGTTGATGCCAGGAAACTTCTGAATGCC-3'
Protein context (NP_000182.2, residues 104-124): PVLTPNLKGF[Glu114Lys]AAVAAGAKEV